The following is an entry in ClinVar:

NM_001035.3(RYR2):c.503A>C (p.Gln168Pro)

Gene: RYR2 (ryanodine receptor 2; plus strand). Cytogenetic location: 1q43.
Variant type: single nucleotide variant.
Coding change: c.503A>C on transcript NM_001035.3 (MANE Select); coding-DNA position 503, A replaced by C.
Protein change: p.Gln168Pro; replaces glutamine 168 with proline.
Molecular consequence: missense variant.
Genome position (GRCh38, 1-based): chr1:237,377,362, A>C. VCF-style: chr1-237377362-A-C. GRCh37 (hg19) VCF-style: chr1-237540662-A-C.
Other names: short protein forms Q168P.
Identifiers: ClinVar variation 5020607 (VCV005020607.1).
Genomic context (GRCh38, chr1:237,377,362, plus strand): 5'-CACATATCCGTATATCTGCAGGGGAGGCTTGTTGGTGGACCATACACCCTGCCTCTAAGC[A>C]GCGATCAGAAGGAGAAAAAGTACGAGTTGGAGATGACCTCATCTTAGTTAGCGTGTCCTC-3'
Protein context (NP_001026.2, residues 158-178): CWWTIHPASK[Gln168Pro]RSEGEKVRVG

ClinVar aggregate classification (germline): Uncertain significance (1 of 4 stars; one submission).

Submission:

Dasa
Classification: Uncertain significance. Last evaluated: 2026-05-06. Review status: criteria provided, single submitter. Criteria: DASA Assertion Criteria. Collection method: clinical testing. Allele origin: germline.
Comment: NM_001035.3(RYR2):c.503A>C (p.Gln168Pro) is a missense variant that results in the substitution of glutamine with proline. This variant is absent from population databases. Computational prediction algorithms are consistent with a deleterious effect. The currently available literature and clinical evidence are not sufficient to establish a definitive association between this variant and the reported condition. Therefore, this variant is classified as a variant of uncertain significance.